The following is an entry in ClinVar:

ClinVar aggregate classification (germline): Uncertain significance (1 of 4 stars; one submission).

Conditions:
Inborn genetic diseases. Identifiers: MedGen C0950123, MeSH D030342.

Submission:

Ambry Genetics
Classification: Uncertain significance for Inborn genetic diseases. Last evaluated: 2025-06-30. Review status: criteria provided, single submitter. Criteria: Ambry Variant Classification Scheme 2023. Collection method: clinical testing. Allele origin: germline.
Comment: The p.D140H variant (also known as c.418G>C), located in coding exon 1 of the CEBPA gene, results from a G to C substitution at nucleotide position 418. The aspartic acid at codon 140 is replaced by histidine, an amino acid with similar properties. This amino acid position is conserved. In addition, this alteration is predicted to be tolerated by in silico analysis. Based on the available evidence, the clinical significance of this variant remains unclear.

NM_004364.5(CEBPA):c.418G>C (p.Asp140His)

Gene: CEBPA (CCAAT enhancer binding protein alpha; minus strand). Cytogenetic location: 19q13.11.
Variant type: single nucleotide variant.
Coding change: c.418G>C on transcript NM_004364.5 (MANE Select); coding-DNA position 418, G replaced by C.
Protein change: p.Asp140His; replaces aspartic acid 140 with histidine.
Molecular consequence: missense variant.
Genome position (GRCh38, 1-based): chr19:33,301,997, C>G on the plus strand (G>C on the coding strand, the complement: CEBPA is on the minus strand). VCF-style: chr19-33301997-C-G. GRCh37 (hg19) VCF-style: chr19-33792903-C-G.
Other names: c.61G>C, p.Asp21His (NM_001285829.2); c.523G>C, p.Asp175His (NM_001287424.2); c.376G>C, p.Asp126His (NM_001287435.2); short protein forms D140H, D21H, D175H, D126H.
Identifiers: ClinVar variation 4225030 (VCV004225030.1).